The following is an entry in ClinVar:

NM_006929.5(SKIC2):c.791A>T (p.Glu264Val)

Gene: SKIC2 (SKI2 subunit of superkiller complex; plus strand). Cytogenetic location: 6p21.33.
Variant type: single nucleotide variant.
Coding change: c.791A>T on transcript NM_006929.5 (MANE Select); coding-DNA position 791, A replaced by T.
Protein change: p.Glu264Val; replaces glutamic acid 264 with valine.
Molecular consequence: missense variant.
Genome position (GRCh38, 1-based): chr6:31,961,548, A>T. VCF-style: chr6-31961548-A-T. GRCh37 (hg19) VCF-style: chr6-31929325-A-T.
Other names: p.Glu264Val; short protein forms E264V.
Identifiers: ClinVar variation 356320 (VCV000356320.28), dbSNP rs200318261, ClinGen allele CA3729260.

ClinVar aggregate classification (germline): Uncertain significance. Review status: criteria provided, multiple submitters, no conflicts (2 of 4 stars). 4 submissions from 4 submitters: Uncertain significance (4). Last evaluated 2025-09-23.

Conditions:
Trichohepatoenteric syndrome 2 (THES2). Identifiers: Orphanet 84064, MedGen C3281289, MONDO:0013818, OMIM 614602.

Allele frequency attached by ClinVar (database versions not stated): ExAC 0.00011; ESP Exome Variant Server 0.00012; gnomAD exomes 0.00013 and 0.00019; gnomAD 0.00017 and 0.00019; TOPMed 0.00020.
gnomAD v4.1: 298 of 1,596,488 alleles (0.019%); highest among the groups gnomAD compares: Middle Eastern, 0.067%; no homozygotes.

Submissions (4):

Mayo Clinic Laboratories, Mayo Clinic
Classification: Uncertain significance. Last evaluated: 2025-09-23. Review status: criteria provided, single submitter. Criteria: ACMG Guidelines, 2015. Collection method: clinical testing. Allele origin: germline. Observed: 1 variant allele.
Comment: BP4

CeGaT Center for Human Genetics Tuebingen
Classification: Uncertain significance. Last evaluated: 2024-05-01. Review status: criteria provided, single submitter. Criteria: CeGaT Center For Human Genetics Tuebingen Variant Classification Criteria Version 2. Collection method: clinical testing. Allele origin: germline. Affected: yes. Observed: 1 variant allele.
Comment: SKIC2: PM2, BP4

Labcorp Genetics (formerly Invitae), Labcorp
Classification: Uncertain significance. Last evaluated: 2022-09-07. Review status: criteria provided, single submitter. Criteria: Invitae Variant Classification Sherloc (09022015). Collection method: clinical testing. Allele origin: germline.
Comment: This sequence change replaces glutamic acid, which is acidic and polar, with valine, which is neutral and non-polar, at codon 264 of the SKIV2L protein (p.Glu264Val). This variant is present in population databases (rs200318261, gnomAD 0.02%). This variant has not been reported in the literature in individuals affected with SKIV2L-related conditions. ClinVar contains an entry for this variant (Variation ID: 356320). Algorithms developed to predict the effect of missense changes on protein structure and function (SIFT, PolyPhen-2, Align-GVGD) all suggest that this variant is likely to be tolerated. Algorithms developed to predict the effect of sequence changes on RNA splicing suggest that this variant may create or strengthen a splice site. In summary, the available evidence is currently insufficient to determine the role of this variant in disease. Therefore, it has been classified as a Variant of Uncertain Significance.

Illumina Laboratory Services, Illumina
Classification: Uncertain significance for Trichohepatoenteric syndrome 2. Last evaluated: 2018-01-13. Review status: criteria provided, single submitter. Criteria: ICSL Variant Classification Criteria 13 December 2019. Collection method: clinical testing. Allele origin: germline.